The following is an entry in ClinVar:

NM_198578.4(LRRK2):c.780C>G (p.Phe260Leu)

Gene: LRRK2 (leucine rich repeat kinase 2; plus strand). Cytogenetic location: 12q12.
Variant type: single nucleotide variant.
Coding change: c.780C>G on transcript NM_198578.4 (MANE Select); coding-DNA position 780, C replaced by G.
Protein change: p.Phe260Leu; replaces phenylalanine 260 with leucine.
Molecular consequence: missense variant.
Genome position (GRCh38, 1-based): chr12:40,243,623, C>G. VCF-style: chr12-40243623-C-G. GRCh37 (hg19) VCF-style: chr12-40637425-C-G.
Other names: short protein forms F260L.
Identifiers: ClinVar variation 1760722 (VCV001760722.2), dbSNP rs764905733, ClinGen allele CA6513186.

ClinVar aggregate classification (germline): Uncertain significance (1 of 4 stars; one submission).

Conditions:
Inborn genetic diseases. Identifiers: MedGen C0950123, MeSH D030342.

gnomAD v4.1: 4 of 1,612,144 alleles (0.00025%); highest among the groups gnomAD compares: South Asian, 0.0044%; no homozygotes.

Submission:

Ambry Genetics
Classification: Uncertain significance for Inborn genetic diseases. Last evaluated: 2021-11-10. Review status: criteria provided, single submitter. Criteria: Ambry Variant Classification Scheme 2023. Collection method: clinical testing. Allele origin: germline.
Comment: The p.F260L variant (also known as c.780C>G), located in coding exon 7 of the LRRK2 gene, results from a C to G substitution at nucleotide position 780. The phenylalanine at codon 260 is replaced by leucine, an amino acid with highly similar properties. This amino acid position is conserved. In addition, this alteration is predicted to be tolerated by in silico analysis. Since supporting evidence is limited at this time, the clinical significance of this alteration remains unclear.